The following is an entry in ClinVar:

NM_001365951.3(KIF1B):c.5048A>T (p.Lys1683Ile)

Gene: KIF1B (kinesin family member 1B; plus strand). Cytogenetic location: 1p36.22.
Variant type: single nucleotide variant.
Coding change: c.5048A>T on transcript NM_001365951.3 (MANE Select); coding-DNA position 5048, A replaced by T.
Protein change: p.Lys1683Ile; replaces lysine 1683 with isoleucine.
Molecular consequence: missense variant.
Genome position (GRCh38, 1-based): chr1:10,374,417, A>T. VCF-style: chr1-10374417-A-T. GRCh37 (hg19) VCF-style: chr1-10434475-A-T.
Other names: c.5048A>T, p.Lys1683Ile (NM_001365952.1); c.4910A>T, p.Lys1637Ile (NM_015074.3); short protein forms K1683I, K1637I.
Identifiers: ClinVar variation 4043147 (VCV004043147.1).

ClinVar aggregate classification (germline): Uncertain significance (1 of 4 stars; one submission).

Submission:

Ambry Genetics
Classification: Uncertain significance. Last evaluated: 2025-05-23. Review status: criteria provided, single submitter. Criteria: Ambry Variant Classification Scheme 2023. Collection method: clinical testing. Allele origin: germline.
Comment: The p.K1637I variant (also known as c.4910A>T), located in coding exon 43 of the KIF1B gene, results from an A to T substitution at nucleotide position 4910. The lysine at codon 1637 is replaced by isoleucine, an amino acid with dissimilar properties. This amino acid position is conserved. In addition, the in silico prediction for this alteration is inconclusive. Based on the available evidence, the clinical significance of this variant remains unclear.